The following is an entry in ClinVar:

ClinVar aggregate classification (germline): Likely benign. Review status: criteria provided, multiple submitters, no conflicts (2 of 4 stars). 2 submissions from 2 submitters: Likely benign (2). Last evaluated 2023-04-08.

Allele frequency attached by ClinVar (database versions not stated): gnomAD exomes below 0.00001.
gnomAD v4.1: 2 of 1,614,010 alleles (0.00012%); highest among the groups gnomAD compares: African/African-American, 0.0013%; no homozygotes.

Submissions (2):

Labcorp Genetics (formerly Invitae), Labcorp
Classification: Likely benign. Last evaluated: 2023-04-08. Review status: criteria provided, single submitter. Criteria: Invitae Variant Classification Sherloc (09022015). Collection method: clinical testing. Allele origin: germline.

Laboratory for Molecular Medicine, Mass General Brigham Personalized Medicine
Classification: Likely benign. Last evaluated: 2014-07-09. Review status: criteria provided, single submitter. Criteria: LMM Criteria. Collection method: clinical testing. Allele origin: germline. Observed: 1 variant allele.
Comment: Ser3552Ser in exon 54 of USH2A: This variant is not expected to have clinical si gnificance because it does not alter an amino acid residue and is not located wi thin the splice consensus sequence.

NM_206933.4(USH2A):c.10656T>C (p.Ser3552=)

Gene: USH2A (usherin; minus strand). Cytogenetic location: 1q41.
Variant type: single nucleotide variant.
Coding change: c.10656T>C on transcript NM_206933.4 (MANE Select); coding-DNA position 10656, T replaced by C.
Protein change: p.Ser3552=; no amino-acid change (serine 3552 retained).
Molecular consequence: synonymous variant.
Genome position (GRCh38, 1-based): chr1:215,782,126, A>G on the plus strand (T>C on the coding strand, the complement: USH2A is on the minus strand). VCF-style: chr1-215782126-A-G. GRCh37 (hg19) VCF-style: chr1-215955468-A-G.
Identifiers: ClinVar variation 166454 (VCV000166454.8), dbSNP rs727503719, ClinGen allele CA179522.